The following is an entry in ClinVar:

ClinVar aggregate classification (germline): Uncertain significance (1 of 4 stars; one submission).

Allele frequency attached by ClinVar (database versions not stated): TOPMed below 0.00001.
gnomAD v4.1: 2 of 1,612,176 alleles (0.00012%); highest among the groups gnomAD compares: Admixed American, 0.0017%; no homozygotes.

Submission:

Labcorp Genetics (formerly Invitae), Labcorp
Classification: Uncertain significance. Last evaluated: 2024-04-05. Review status: criteria provided, single submitter. Criteria: Invitae Variant Classification Sherloc (09022015). Collection method: clinical testing. Allele origin: germline.
Comment: This sequence change replaces valine, which is neutral and non-polar, with isoleucine, which is neutral and non-polar, at codon 251 of the IL23R protein (p.Val251Ile). The frequency data for this variant in the population databases is considered unreliable, as metrics indicate poor data quality at this position in the gnomAD database. This variant has not been reported in the literature in individuals affected with IL23R-related conditions. Algorithms developed to predict the effect of missense changes on protein structure and function output the following: SIFT: "Not Available"; PolyPhen-2: "Possibly Damaging"; Align-GVGD: "Not Available". The isoleucine amino acid residue is found in multiple mammalian species, which suggests that this missense change does not adversely affect protein function. In summary, the available evidence is currently insufficient to determine the role of this variant in disease. Therefore, it has been classified as a Variant of Uncertain Significance.

NM_144701.3(IL23R):c.751G>A (p.Val251Ile)

Gene: IL23R (interleukin 23 receptor; plus strand). Cytogenetic location: 1p31.3.
Variant type: single nucleotide variant.
Coding change: c.751G>A on transcript NM_144701.3 (MANE Select); coding-DNA position 751, G replaced by A.
Protein change: p.Val251Ile; replaces valine 251 with isoleucine.
Molecular consequence: missense variant.
Genome position (GRCh38, 1-based): chr1:67,207,008, G>A. VCF-style: chr1-67207008-G-A. GRCh37 (hg19) VCF-style: chr1-67672691-G-A.
Other names: short protein forms V251I.
Identifiers: ClinVar variation 2978596 (VCV002978596.3), dbSNP rs368389094, ClinGen allele CA340728414.